The following is an entry in ClinVar:

NM_001369268.1(ACAN):c.91G>T (p.Val31Phe)

Gene: ACAN (aggrecan; plus strand). Cytogenetic location: 15q26.1.
Variant type: single nucleotide variant.
Coding change: c.91G>T on transcript NM_001369268.1 (MANE Select); coding-DNA position 91, G replaced by T.
Protein change: p.Val31Phe; replaces valine 31 with phenylalanine.
Molecular consequence: missense variant.
Genome position (GRCh38, 1-based): chr15:88,838,683, G>T. VCF-style: chr15-88838683-G-T. GRCh37 (hg19) VCF-style: chr15-89381914-G-T.
Other names: c.91G>T, p.Val31Phe (NM_001135.4, NM_013227.4); short protein forms V31F.
Identifiers: ClinVar variation 1679113 (VCV001679113.2), dbSNP rs1041254006, ClinGen allele CA393714714.

ClinVar aggregate classification (germline): Uncertain significance (1 of 4 stars; one submission).

Conditions:
Short stature and advanced bone age, with or without early-onset osteoarthritis and/or osteochondritis dissecans (SSOAOD). Identifiers: Orphanet 251262, MedGen C3665488, MONDO:0100462, OMIM 165800.

Submission:

Center for Human Genetics and Genomic Medicine, Uniklinik Rwth Aachen
Classification: Uncertain significance for Short stature and advanced bone age, with or without early-onset osteoarthritis and/or osteochondritis dissecans. Last evaluated: 2022-04-26. Review status: criteria provided, single submitter. Criteria: ACMG Guidelines, 2015. Collection method: clinical testing. Allele origin: maternal. Inheritance: Autosomal dominant inheritance. Affected: yes. Observed: 1 heterozygote.
Comment: The detected change is not listed in control collectives (gnomAD, dbSNP) (as of April 26, 2022). Bioinformatically, it is classified as "probably disease-causing" (CADDphred 24.4). Based on the current state of knowledge, the variant can be classified as a “variant of unclear clinical significance” (ACMG criteria).